The following is an entry in ClinVar:

NM_001370658.1(BTD):c.1553G>A (p.Arg518His)

Gene: BTD (biotinidase; plus strand). Cytogenetic location: 3p25.1.
Variant type: single nucleotide variant.
Coding change: c.1553G>A on transcript NM_001370658.1 (MANE Select); coding-DNA position 1553, G replaced by A.
Protein change: p.Arg518His; replaces arginine 518 with histidine.
Molecular consequence: missense variant. On other transcripts: intron variant (2).
Genome position (GRCh38, 1-based): chr3:15,645,469, G>A. VCF-style: chr3-15645469-G-A. GRCh37 (hg19) VCF-style: chr3-15686976-G-A.
Other names: c.1613G>A, p.Arg538His (NM_000060.4); c.1553G>A, p.Arg518His (NM_001281723.4, NM_001281724.3, NM_001281725.3 and 16 more transcripts); c.1015+538G>A (NM_001370752.1); c.399+3412G>A (NM_001370753.1); short protein forms R518H.
Identifiers: ClinVar variation 25099 (VCV000025099.20), dbSNP rs397514429, ClinGen allele CA278356.

ClinVar aggregate classification (germline): Pathogenic/Likely pathogenic. Review status: criteria provided, multiple submitters, no conflicts (2 of 4 stars). 7 submissions from 7 submitters: Pathogenic (3); Likely pathogenic (4). Last evaluated 2026-01-19.

Conditions:
Biotinidase deficiency. Also called: Biotin deficiency; BTD deficiency; Late-onset biotin-responsive multiple carboxylase deficiency. Identifiers: Orphanet 79241, MedGen C0220754, MONDO:0009665, OMIM 253260.

Allele frequency attached by ClinVar (database versions not stated): gnomAD exomes below 0.00001; ExAC 0.00001; gnomAD 0.00001; TOPMed 0.00001.

Submissions (7):

Labcorp Genetics (formerly Invitae), Labcorp
Classification: Pathogenic for Biotinidase deficiency. Last evaluated: 2026-01-19. Review status: criteria provided, single submitter. Criteria: Invitae Variant Classification Sherloc (09022015). Collection method: clinical testing. Allele origin: germline.
Comment: This sequence change replaces arginine, which is basic and polar, with histidine, which is basic and polar, at codon 538 of the BTD protein (p.Arg538His). This variant is present in population databases (rs397514429, gnomAD 0.0009%). This missense change has been observed in individual(s) with biotinidase deficiency (PMID: 19757147, 26810761, 29359854; internal data). In at least one individual the data is consistent with being in trans (on the opposite chromosome) from a pathogenic variant. ClinVar contains an entry for this variant (Variation ID: 25099). Invitae Evidence Modeling of protein sequence and biophysical properties (such as structural, functional, and spatial information, amino acid conservation, physicochemical variation, residue mobility, and thermodynamic stability) indicates that this missense variant is expected to disrupt BTD protein function with a positive predictive value of 95%. Experimental studies have shown that this missense change affects BTD function (PMID: 29359854). This variant disrupts the p.Arg538 amino acid residue in BTD. Other variant(s) that disrupt this residue have been determined to be pathogenic (PMID: 9099842, 22698809, 27207447, 27657684). This suggests that this residue is clinically significant, and that variants that disrupt this residue are likely to be disease-causing. For these reasons, this variant has been classified as Pathogenic.

Natera, Inc.
Classification: Likely pathogenic for Biotinidase deficiency. Last evaluated: 2025-05-13. Review status: criteria provided, single submitter. Criteria: Natera Variant Classification Schema (03/2026). Collection method: clinical testing. Allele origin: germline.
Comment: The c.1553G>A variant in BTD is a missense variant predicted to cause substitution of arginine to histidine at amino acid 518. This variant is rare in the general population with a frequency below the threshold expected for the associated phenotype(s). This variant has been observed in one or more individuals affected with the associated recessive disease, as either homozygous or compound heterozygous with a second variant (PMID: 37564434, 29359854). Functional studies show that this variant may disrupt protein function (PMID: 29359854). A different variant at the same position has been determined to be Pathogenic or Likely Pathogenic. Computational prediction algorithms indicate this variant is likely to affect gene or protein function. Given the available evidence, this variant is classified as Likely Pathogenic.

Fulgent Genetics
Classification: Likely pathogenic for Biotinidase deficiency. Last evaluated: 2024-01-05. Review status: criteria provided, single submitter. Criteria: ACMG Guidelines, 2015. Collection method: clinical testing. Allele origin: germline.

GeneDx
Classification: Pathogenic. Last evaluated: 2023-12-12. Review status: criteria provided, single submitter. Criteria: GeneDx Variant Classification Process June 2021. Collection method: clinical testing. Allele origin: germline. Affected: yes.
Comment: Not observed at significant frequency in large population cohorts (gnomAD); In silico analysis supports that this missense variant has a deleterious effect on protein structure/function; Also known as p.(R538H); This variant is associated with the following publications: (PMID: 19757147, 29359854, 26810761, 22698809, 9099842, 27657684, 27207447, 37564434)

Baylor Genetics
Classification: Likely pathogenic for Biotinidase deficiency. Last evaluated: 2023-01-30. Review status: criteria provided, single submitter. Criteria: ACMG Guidelines, 2015. Collection method: clinical testing. Allele origin: unknown.

Revvity Omics, Revvity
Classification: Likely pathogenic for Biotinidase deficiency. Last evaluated: 2023-01-17. Review status: criteria provided, single submitter. Criteria: ACMG Guidelines, 2015. Collection method: clinical testing. Allele origin: germline.

Neuberg Centre For Genomic Medicine, NCGM
Classification: Pathogenic for Biotinidase deficiency. Review status: criteria provided, single submitter. Criteria: ACMG Guidelines, 2015. Collection method: clinical testing. Allele origin: germline. Inheritance: Autosomal recessive inheritance. Affected: yes.
Comment: The observed missense c.1553G>A (p.Arg518His) variant in gene has been reported in compound heterozygous state in individuals affected with Biotinidase deficiency (Procter M et al. 2016). Experimental studies have shown that this missense change affects BTD function (Liu Z et al. 2018). The variant p.Arg518His has allele frequency 0.0004% in gnomAD. This variant has been submitted to the ClinVar database as likely Pathogenic / Pathogenic. The amino acid change p.Arg518His in BTD is predicted as conserved by GERP++ and PhyloP across 100 vertebrates. The amino acid Arg at position 518 is changed to a His changing protein sequence and it might alter its composition and physico-chemical properties. For these reasons, this variant has been classified as Pathogenic.

Literature cited by the submitters: PubMed 19757147 (cited by Labcorp Genetics (formerly Invitae), Labcorp); PubMed 26810761 (cited by Labcorp Genetics (formerly Invitae), Labcorp); PubMed 29359854 (cited by Labcorp Genetics (formerly Invitae), Labcorp and Natera, Inc.); PubMed 9099842 (cited by Labcorp Genetics (formerly Invitae), Labcorp); PubMed 22698809 (cited by Labcorp Genetics (formerly Invitae), Labcorp); PubMed 27207447 (cited by Labcorp Genetics (formerly Invitae), Labcorp); PubMed 27657684 (cited by Labcorp Genetics (formerly Invitae), Labcorp); PubMed 37564434 (cited by Natera, Inc.).